The following is an entry in ClinVar:

ClinVar aggregate classification (germline): Uncertain significance (1 of 4 stars; one submission).

Conditions:
Emery-Dreifuss muscular dystrophy (EDMD). Also called: Scapuloperoneal syndrome, X-linked (formerly); Humeroperoneal neuromuscular disease, (formerly). Identifiers: Orphanet 261, MedGen C0410189, MONDO:0016830.

Allele frequency attached by ClinVar (database versions not stated): gnomAD exomes below 0.00001; TOPMed below 0.00001.
gnomAD v4.1: 1 of 1,614,242 alleles (0.000062%); highest among the groups gnomAD compares: East Asian, 0.0022%; no homozygotes.

Submission:

Labcorp Genetics (formerly Invitae), Labcorp
Classification: Uncertain significance for Emery-Dreifuss muscular dystrophy. Last evaluated: 2021-12-01. Review status: criteria provided, single submitter. Criteria: Invitae Variant Classification Sherloc (09022015). Collection method: clinical testing. Allele origin: germline.
Comment: This sequence change replaces histidine, which is basic and polar, with asparagine, which is neutral and polar, at codon 565 of the SUN1 protein (p.His565Asn). This variant is not present in population databases (gnomAD no frequency). This variant has not been reported in the literature in individuals affected with SUN1-related conditions. ClinVar contains an entry for this variant (Variation ID: 944066). Algorithms developed to predict the effect of missense changes on protein structure and function are either unavailable or do not agree on the potential impact of this missense change (SIFT: "Tolerated"; PolyPhen-2: "Probably Damaging"; Align-GVGD: "Class C0"). In summary, the available evidence is currently insufficient to determine the role of this variant in disease. Therefore, it has been classified as a Variant of Uncertain Significance.

NM_001130965.3(SUN1):c.1693C>A (p.His565Asn)

Gene: SUN1 (Sad1 and UNC84 domain containing 1; plus strand). Cytogenetic location: 7p22.3.
Variant type: single nucleotide variant.
Coding change: c.1693C>A on transcript NM_001130965.3 (MANE Select); coding-DNA position 1693, C replaced by A.
Protein change: p.His565Asn; replaces histidine 565 with asparagine.
Molecular consequence: missense variant. On other transcripts: non-coding transcript variant (3).
Genome position (GRCh38, 1-based): chr7:860,296, C>A. VCF-style: chr7-860296-C-A. GRCh37 (hg19) VCF-style: chr7-899933-C-A.
Other names: c.1384C>A, p.His462Asn (NM_001171944.2); c.1693C>A, p.His565Asn (NM_001367633.1, NM_001367634.1, NM_001367653.1); c.1342C>A, p.His448Asn (NM_001367635.1); c.1933C>A, p.His645Asn (NM_001367636.1, NM_001367691.1); c.1801C>A, p.His601Asn (NM_001367638.1); c.1234C>A, p.His412Asn (NM_001367639.1); c.1873C>A, p.His625Asn (NM_001367640.1); c.1975C>A, p.His659Asn (NM_001367641.1, NM_001367682.1); and 43 more; short protein forms H376N, H554N, H609N, H618N, H626N, H629N, H630N, H645N.
Identifiers: ClinVar variation 944066 (VCV000944066.7), dbSNP rs1421142069, ClinGen allele CA366533752.